The following is an entry in ClinVar:

ClinVar aggregate classification (germline): Pathogenic (1 of 4 stars; one submission).

Submission:

Labcorp Genetics (formerly Invitae), Labcorp
Classification: Pathogenic. Last evaluated: 2023-06-14. Review status: criteria provided, single submitter. Criteria: Invitae Variant Classification Sherloc (09022015). Collection method: clinical testing. Allele origin: germline.
Comment: This variant disrupts a region of the HPS6 protein in which other variant(s) (p.Gln680*) have been determined to be pathogenic (PMID: 27225848, 29054114, 31141302). This suggests that this is a clinically significant region of the protein, and that variants that disrupt it are likely to be disease-causing. This sequence change creates a premature translational stop signal (p.Gly287Alafs*3) in the HPS6 gene. While this is not anticipated to result in nonsense mediated decay, it is expected to disrupt the last 489 amino acid(s) of the HPS6 protein. This variant is not present in population databases (gnomAD no frequency). This variant has not been reported in the literature in individuals affected with HPS6-related conditions. For these reasons, this variant has been classified as Pathogenic.

Literature cited by the submitters: PubMed 27225848; PubMed 29054114; PubMed 31141302.

NM_024747.6(HPS6):c.860del (p.Gly287fs)

Gene: HPS6 (HPS6 biogenesis of lysosomal organelles complex 2 subunit 3; plus strand). Cytogenetic location: 10q24.32.
Variant type: Deletion.
Coding change: c.860del on transcript NM_024747.6 (MANE Select); coding-DNA position 860, one base deleted (G; older notation c.860delG).
Protein change: p.Gly287fs; shifts the reading frame from glycine 287.
Molecular consequence: frameshift variant.
Genome position (GRCh38, 1-based): chr10:102,066,334, G deleted; the last of 5 consecutive G bases (chr10:102,066,330-102,066,334); deleting any one gives the same sequence. VCF-style (leftmost placement, unchanged base first): chr10-102066329-CG-C. GRCh37 (hg19) VCF-style: chr10-103826086-CG-C.
Other names: short protein forms G287fs.
Identifiers: ClinVar variation 2713019 (VCV002713019.3), dbSNP rs2540987220, ClinGen allele CA2610647298.
Genomic context (GRCh38, chr10:102,066,329, plus strand): 5'-GGAGCCACTGGCTGTACACACCTGGGCCCCAACTCCCCAGGGCCTGCTGTTGCTTGACTT[CG>C]GGGGCACTGTGAGCCTATTGCAGTCCCACGGTGGTACGCGGGCTGTGGGCACCCTGCAGG-3'